The following is an entry in ClinVar:

ClinVar aggregate classification (germline): Benign. Review status: criteria provided, multiple submitters, no conflicts (2 of 4 stars). 7 submissions from 6 submitters: Benign (7). Last evaluated 2026-02-01.

Conditions:
Frontonasal dysplasia with alopecia and genital anomaly. Identifiers: Orphanet 228390, MedGen C3150703, MONDO:0013268, OMIM 613451.
Parietal foramina 2 (PFM2). Identifiers: Orphanet 60015, MedGen C1865044, MONDO:0012309, OMIM 609597.

Allele frequency attached by ClinVar (database versions not stated): TOPMed 0.32236; gnomAD 0.32933 and 0.34378; 1000 Genomes Project 30x 0.36368; 1000 Genomes Project 0.37200; gnomAD exomes 0.46516; ExAC 0.60283.

Submissions (7):

Labcorp Genetics (formerly Invitae), Labcorp
Classification: Benign. Last evaluated: 2026-02-01. Review status: criteria provided, single submitter. Criteria: Invitae Variant Classification Sherloc (09022015). Collection method: clinical testing. Allele origin: germline.

Blueprint Genetics
Classification: Benign. Last evaluated: 2024-11-27. Review status: criteria provided, single submitter. Criteria: ACMG Guidelines, 2015. Collection method: clinical testing. Allele origin: germline.

Genome-Nilou Lab
Classification: Benign for Frontonasal dysplasia with alopecia and genital anomaly. Last evaluated: 2021-07-14. Review status: criteria provided, single submitter. Criteria: ACMG Guidelines, 2015. Collection method: clinical testing. Allele origin: germline. Affected: no.

Genome-Nilou Lab
Classification: Benign for Parietal foramina 2. Last evaluated: 2021-07-14. Review status: criteria provided, single submitter. Criteria: ACMG Guidelines, 2015. Collection method: clinical testing. Allele origin: germline. Affected: no.

GeneDx
Classification: Benign. Last evaluated: 2019-11-26. Review status: criteria provided, single submitter. Criteria: GeneDx Variant Classification Process June 2021. Collection method: clinical testing. Allele origin: germline. Affected: yes.
Comment: This variant is associated with the following publications: (PMID: 16319823, 12774039)

Illumina Laboratory Services, Illumina
Classification: Benign for Parietal foramina 2. Last evaluated: 2018-01-13. Review status: criteria provided, single submitter. Criteria: ICSL Variant Classification Criteria 13 December 2019. Collection method: clinical testing. Allele origin: germline.
Comment: This variant was observed in the ICSL laboratory as part of a predisposition screen in an ostensibly healthy population. It had not been previously curated by ICSL or reported in the Human Gene Mutation Database (HGMD: prior to June 1st, 2018), and was therefore a candidate for classification through an automated scoring system. Utilizing variant allele frequency, disease prevalence and penetrance estimates, and inheritance mode, an automated score was calculated to assess if this variant is too frequent to cause the disease. Based on the score and internal cut-off values, a variant classified as benign is not then subjected to further curation. The score for this variant resulted in a classification of benign for this disease.

Breakthrough Genomics
Classification: Benign. Review status: criteria provided, single submitter. Criteria: ACMG Guidelines, 2015. Collection method: not provided. Allele origin: germline. Inheritance: Autosomal recessive inheritance. Affected: yes.

NM_021926.4(ALX4):c.304C>T (p.Pro102Ser)

Gene: ALX4 (ALX homeobox 4; minus strand). Cytogenetic location: 11p11.2.
Variant type: single nucleotide variant.
Coding change: c.304C>T on transcript NM_021926.4 (MANE Select); coding-DNA position 304, C replaced by T.
Protein change: p.Pro102Ser; replaces proline 102 with serine.
Molecular consequence: missense variant.
Genome position (GRCh38, 1-based): chr11:44,309,759, G>A on the plus strand (C>T on the coding strand, the complement: ALX4 is on the minus strand). VCF-style: chr11-44309759-G-A. GRCh37 (hg19) VCF-style: chr11-44331309-G-A.
Other names: c.304C>T, p.Pro102Ser (LRG_1256t1); short protein forms P102S.
Identifiers: ClinVar variation 304711 (VCV000304711.20), dbSNP rs12421995, ClinGen allele CA5955775.
Genomic context (GRCh38, chr11:44,309,759, plus strand): 5'-GATGCGGTTGCGCGGGCGGCTGGGGCTGCGGCTGCTGCTGCTGCGGCTGCGGCTGCGGCG[G>A]CGGCTGGGGCTGCGGGGTCGACGGCTGGGGCTGGAACTTGTTAAAGGAGCCCCGCGCCCC-3'
Protein context (NP_068745.2, residues 92-112): PQPSTPQPQP[Pro102Ser]PQPQPQQQQP